The following is an entry in ClinVar:

NM_016169.4(SUFU):c.223A>G (p.Arg75Gly)

Gene: SUFU (SUFU negative regulator of hedgehog signaling; plus strand). Cytogenetic location: 10q24.32.
Variant type: single nucleotide variant.
Coding change: c.223A>G on transcript NM_016169.4 (MANE Select); coding-DNA position 223, A replaced by G.
Protein change: p.Arg75Gly; replaces arginine 75 with glycine.
Molecular consequence: missense variant.
Genome position (GRCh38, 1-based): chr10:102,509,209, A>G. VCF-style: chr10-102509209-A-G. GRCh37 (hg19) VCF-style: chr10-104268966-A-G.
Other names: c.223A>G, p.Arg75Gly (NM_001178133.2); short protein forms R75G.
Identifiers: ClinVar variation 4686227 (VCV004686227.1).

ClinVar aggregate classification (germline): Uncertain significance (1 of 4 stars; one submission).

gnomAD v4.1: 1 of 1,614,092 alleles (0.000062%); highest among the groups gnomAD compares: Non-Finnish European, 0.000085%; no homozygotes.

Submission:

GeneDx
Classification: Uncertain significance. Last evaluated: 2025-07-13. Review status: criteria provided, single submitter. Criteria: GeneDx Variant Classification Process June 2021. Collection method: clinical testing. Allele origin: germline. Affected: yes.
Comment: Not observed at significant frequency in large population cohorts (gnomAD); In silico analysis suggests that this missense variant does not alter protein structure/function; Has not been previously published as pathogenic or benign to our knowledge; This variant is associated with the following publications: (PMID: 24311597)